The following is an entry in ClinVar:

ClinVar aggregate classification (germline): Uncertain significance (1 of 4 stars; one submission).

Conditions:
Hereditary pancreatitis (PCTT). Also called: Hereditary chronic pancreatitis; PRSS1-Related Hereditary Pancreatitis. Identifiers: Orphanet 676, MedGen C0238339, MONDO:0008185, OMIM 167800.

Allele frequency attached by ClinVar (database versions not stated): gnomAD exomes below 0.00001.
gnomAD v4.1: 2 of 1,613,926 alleles (0.00012%); highest among the groups gnomAD compares: Admixed American, 0.0017%; no homozygotes.

Submission:

Ambry Genetics
Classification: Uncertain significance for Hereditary pancreatitis. Last evaluated: 2024-11-23. Review status: criteria provided, single submitter. Criteria: Ambry Variant Classification Scheme 2023. Collection method: clinical testing. Allele origin: germline.
Comment: The p.P249S variant (also known as c.745C>T), located in coding exon 7 of the CTRC gene, results from a C to T substitution at nucleotide position 745. The proline at codon 249 is replaced by serine, an amino acid with similar properties. This amino acid position is conserved. In addition, this alteration is predicted to be deleterious by in silico analysis. Since supporting evidence is limited at this time, the clinical significance of this alteration remains unclear.

NM_007272.3(CTRC):c.745C>T (p.Pro249Ser)

Gene: CTRC (chymotrypsin C; plus strand). Cytogenetic location: 1p36.21.
Variant type: single nucleotide variant.
Coding change: c.745C>T on transcript NM_007272.3 (MANE Select); coding-DNA position 745, C replaced by T.
Protein change: p.Pro249Ser; replaces proline 249 with serine.
Molecular consequence: missense variant.
Genome position (GRCh38, 1-based): chr1:15,445,702, C>T. VCF-style: chr1-15445702-C-T. GRCh37 (hg19) VCF-style: chr1-15772197-C-T.
Other names: short protein forms P249S.
Identifiers: ClinVar variation 1759011 (VCV001759011.3), dbSNP rs2526303745, ClinGen allele CA338567888.
Genomic context (GRCh38, chr1:15,445,702, plus strand): 5'-TGGGAGGTGTTTGGCATCGTCAGCTTTGGCTCCCGGCGGGGCTGCAACACCCGCAAGAAG[C>T]CGGTAGTCTACACCCGGGTGTCCGCCTACATCGACTGGATCAACGAGGTGGGTGCTGCCT-3'
Protein context (NP_009203.2, residues 239-259): SRRGCNTRKK[Pro249Ser]VVYTRVSAYI